The following is an entry in ClinVar:

ClinVar aggregate classification (germline): Uncertain significance (0 of 4 stars; one submission).

Conditions:
KCTD1-related disorder. Also called: KCTD1-related condition.

Submission:

PreventionGenetics, part of Exact Sciences
Classification: Uncertain significance for KCTD1-related condition. Last evaluated: 2024-07-17. Review status: no assertion criteria provided. Collection method: clinical testing. Allele origin: germline.
Comment: The KCTD1 c.164A>G variant is predicted to result in the amino acid substitution p.Glu55Gly. Of note, using an alternate transcript (NM_001258221), this variant is c.-16+1356A>G located in the pre-coding region. To our knowledge, this variant has not been reported in the literature or in a large population database, indicating this variant is rare. At this time, the clinical significance of this variant is uncertain due to the absence of conclusive functional and genetic evidence.

NM_001142730.3(KCTD1):c.164A>G (p.Glu55Gly)

Gene: KCTD1 (potassium channel tetramerization domain containing 1; minus strand). Cytogenetic location: 18q11.2.
Variant type: single nucleotide variant.
Coding change: c.164A>G on transcript NM_001142730.3 (MANE Select); coding-DNA position 164, A replaced by G.
Protein change: p.Glu55Gly; replaces glutamic acid 55 with glycine.
Molecular consequence: missense variant. On other transcripts: intron variant (5).
Genome position (GRCh38, 1-based): chr18:26,548,373, T>C on the plus strand (A>G on the coding strand, the complement: KCTD1 is on the minus strand). VCF-style: chr18-26548373-T-C. GRCh37 (hg19) VCF-style: chr18-24128337-T-C.
Other names: c.10-47123A>G (NM_001258222.3); c.-15-47123A>G (NM_198991.4); c.-16+1356A>G (NM_001258221.2); c.-16+871A>G (NM_001351443.1); c.-16+518A>G (NM_001136205.2); short protein forms E55G.
Identifiers: ClinVar variation 3345736 (VCV003345736.1).